The following is an entry in ClinVar:

GRCh37/hg19 15q13.3(chr15:32011476-32446830)x1

Gene: CHRNA7 (cholinergic receptor nicotinic alpha 7 subunit). Cytogenetic location: 15q13.3.
Variant type: copy number loss.
Change: copy number 1 (one copy instead of two) of chr15:32,011,476-32,446,830 (435.4 kb, GRCh37 coordinates, 1-based), cytogenetic band 15q13.3.
Identifiers: ClinVar variation 1807711 (VCV001807711.1).

ClinVar aggregate classification (germline): Pathogenic (1 of 4 stars; one submission).

Submission:

Quest Diagnostics Nichols Institute San Juan Capistrano
Classification: Pathogenic. Last evaluated: 2021-06-29. Review status: criteria provided, single submitter. Criteria: ACMG/ClinGen CNV Guidelines, 2019. Collection method: clinical testing. Allele origin: unknown.
Comment: This recurrent 15q13.3 deletion interval (D-CHRNA7 to BP5) includes at least 5' portion of CHRNA7 and the first exon of the OTUD7A. It is associated with a broad spectrum of neurodevelopmental disorders including: cognitive deficits, seizures and/or EEG abnormalities, autism, ADHD, mood disorders, schizophrenia, and additional findings. Variable expressivity and reduced penetrance are observed, therefore a specific phenotype is not predictable (Shinawi et al., Nat Genet. 2009 Dec;41(12):1269-71., PMID: 19898479; Masurel-Paulet et al., Clin Genet. 2010 Aug;78(2):149-61., PMID: 20236110; Hoppman-Chaney et al., Clin Genet. 2013 Apr;83(4):345-51., PMID: 22775350). A case control study had shown that this deletion is enriched in the clinical population (Coe et al., Nat Genet. 2014;46(10):1063-1071.PMID: 25217958).